The following is an entry in ClinVar:

ClinVar aggregate classification (germline): Uncertain significance. Review status: criteria provided, multiple submitters, no conflicts (2 of 4 stars). 2 submissions from 2 submitters: Uncertain significance (2). Last evaluated 2022-04-15.

Conditions:
Hereditary cancer-predisposing syndrome. Also called: Hereditary Cancer Syndrome; Neoplastic Syndromes, Hereditary; Hereditary neoplastic syndrome; Tumor predisposition. Identifiers: Orphanet 140162, MedGen C0027672, MeSH D009386, MONDO:0015356.
Peutz-Jeghers syndrome (PJS). Also called: Peutz-Jeghers polyposis; Periorificial lentiginosis syndrome; POLYPOSIS, HAMARTOMATOUS INTESTINAL; POLYPS-AND-SPOTS SYNDROME. Identifiers: Orphanet 2869, MedGen C0031269, MeSH D010580, MONDO:0008280, OMIM 175200.

Allele frequency attached by ClinVar (database versions not stated): gnomAD exomes below 0.00001.
gnomAD v4.1: 2 of 1,559,138 alleles (0.00013%); highest among the groups gnomAD compares: Non-Finnish European, 0.00017%; no homozygotes.

Submissions (2):

Labcorp Genetics (formerly Invitae), Labcorp
Classification: Uncertain significance for Peutz-Jeghers syndrome. Last evaluated: 2022-04-15. Review status: criteria provided, single submitter. Criteria: Invitae Variant Classification Sherloc (09022015). Collection method: clinical testing. Allele origin: germline.
Comment: This sequence change replaces leucine, which is neutral and non-polar, with isoleucine, which is neutral and non-polar, at codon 290 of the STK11 protein (p.Leu290Ile). This variant is not present in population databases (gnomAD no frequency). This variant has not been reported in the literature in individuals affected with STK11-related conditions. Advanced modeling of protein sequence and biophysical properties (such as structural, functional, and spatial information, amino acid conservation, physicochemical variation, residue mobility, and thermodynamic stability) performed at Invitae indicates that this missense variant is expected to disrupt STK11 protein function. In summary, the available evidence is currently insufficient to determine the role of this variant in disease. Therefore, it has been classified as a Variant of Uncertain Significance.

Color Diagnostics, LLC DBA Color Health
Classification: Uncertain significance for Hereditary cancer-predisposing syndrome. Last evaluated: 2021-12-12. Review status: criteria provided, single submitter. Criteria: ACMG Guidelines, 2015. Collection method: clinical testing. Allele origin: germline.
Comment: This missense variant replaces leucine with isoleucine at codon 290 of the STK11 protein. Computational prediction is inconclusive regarding the impact of this variant on protein structure and function (internally defined REVEL score threshold 0.5 < inconclusive < 0.7, PMID: 27666373). To our knowledge, functional studies have not been reported for this variant. This variant has not been reported in individuals affected with hereditary cancer in the literature. This variant has not been identified in the general population by the Genome Aggregation Database (gnomAD). The available evidence is insufficient to determine the role of this variant in disease conclusively. Therefore, this variant is classified as a Variant of Uncertain Significance.

NM_000455.5(STK11):c.868C>A (p.Leu290Ile)

Gene: STK11 (serine/threonine kinase 11; plus strand). Cytogenetic location: 19p13.3.
Variant type: single nucleotide variant.
Coding change: c.868C>A on transcript NM_000455.5 (MANE Select); coding-DNA position 868, C replaced by A.
Protein change: p.Leu290Ile; replaces leucine 290 with isoleucine.
Molecular consequence: missense variant.
Genome position (GRCh38, 1-based): chr19:1,221,954, C>A. VCF-style: chr19-1221954-C-A. GRCh37 (hg19) VCF-style: chr19-1221953-C-A.
Other names: c.868C>A, p.Leu290Ile (NM_001407255.1); short protein forms L290I.
Identifiers: ClinVar variation 2126578 (VCV002126578.6), dbSNP rs2145428630, ClinGen allele CA402951161.